The following is an entry in ClinVar:

ClinVar aggregate classification (germline): Uncertain significance (1 of 4 stars; one submission).

Allele frequency attached by ClinVar (database versions not stated): gnomAD 0.00001; gnomAD exomes 0.00001; TOPMed 0.00002.
gnomAD v4.1: 5 of 1,613,752 alleles (0.00031%); highest among the groups gnomAD compares: African/African-American, 0.0013%; no homozygotes.

Submission:

Labcorp Genetics (formerly Invitae), Labcorp
Classification: Uncertain significance. Last evaluated: 2022-08-17. Review status: criteria provided, single submitter. Criteria: Invitae Variant Classification Sherloc (09022015). Collection method: clinical testing. Allele origin: germline.
Comment: This sequence change replaces threonine, which is neutral and polar, with alanine, which is neutral and non-polar, at codon 658 of the GGCX protein (p.Thr658Ala). This variant is present in population databases (no rsID available, gnomAD 0.002%). This variant has not been reported in the literature in individuals affected with GGCX-related conditions. ClinVar contains an entry for this variant (Variation ID: 1483222). Algorithms developed to predict the effect of missense changes on protein structure and function (SIFT, PolyPhen-2, Align-GVGD) all suggest that this variant is likely to be tolerated. In summary, the available evidence is currently insufficient to determine the role of this variant in disease. Therefore, it has been classified as a Variant of Uncertain Significance.

NM_000821.7(GGCX):c.1972A>G (p.Thr658Ala)

Gene: GGCX (gamma-glutamyl carboxylase; minus strand). Cytogenetic location: 2p11.2.
Variant type: single nucleotide variant.
Coding change: c.1972A>G on transcript NM_000821.7 (MANE Select); coding-DNA position 1972, A replaced by G.
Protein change: p.Thr658Ala; replaces threonine 658 with alanine.
Molecular consequence: missense variant.
Genome position (GRCh38, 1-based): chr2:85,550,667, T>C on the plus strand (A>G on the coding strand, the complement: GGCX is on the minus strand). VCF-style: chr2-85550667-T-C. GRCh37 (hg19) VCF-style: chr2-85777790-T-C.
Other names: c.1801A>G, p.Thr601Ala (NM_001142269.4); short protein forms T601A, T658A.
Identifiers: ClinVar variation 1483222 (VCV001483222.3), dbSNP rs1291558673, ClinGen allele CA347482996.
Genomic context (GRCh38, chr2:85,550,667, plus strand): 5'-GGAAAGGAGTATTTCGCCGGCGTTCAATCTCCTGGAGCCTTTGTTGGCGTCTAAGAAAGG[T>C]CTGAACCAGAGGTGTTGGCTCAGGGCCCCCTTTTACTTCCCCTTCCAACAGAGGCTGCAG-3'
Protein context (NP_000812.2, residues 648-668): GGPEPTPLVQ[Thr658Ala]FLRRQQRLQE